The following is an entry in ClinVar:

NM_006231.4(POLE):c.1795G>A (p.Val599Met)

Gene: POLE (DNA polymerase epsilon, catalytic subunit; minus strand). Cytogenetic location: 12q24.33.
Variant type: single nucleotide variant.
Coding change: c.1795G>A on transcript NM_006231.4 (MANE Select); coding-DNA position 1795, G replaced by A.
Protein change: p.Val599Met; replaces valine 599 with methionine.
Molecular consequence: missense variant.
Genome position (GRCh38, 1-based): chr12:132,668,939, C>T on the plus strand (G>A on the coding strand, the complement: POLE is on the minus strand). VCF-style: chr12-132668939-C-T. GRCh37 (hg19) VCF-style: chr12-133245525-C-T.
Other names: c.1795G>A (NM_006231.2); short protein forms V599M.
Identifiers: ClinVar variation 473488 (VCV000473488.7), dbSNP rs1555227427, ClinGen allele CA387355652.

ClinVar aggregate classification (germline): Uncertain significance. Review status: criteria provided, multiple submitters, no conflicts (2 of 4 stars). 2 submissions from 2 submitters: Uncertain significance (2). Last evaluated 2025-02-10.

Conditions:
Hereditary cancer-predisposing syndrome. Also called: Neoplastic Syndromes, Hereditary; Tumor predisposition; Hereditary Cancer Syndrome; Hereditary neoplastic syndrome. Identifiers: Orphanet 140162, MedGen C0027672, MeSH D009386, MONDO:0015356.

Allele frequency attached by ClinVar (database versions not stated): TOPMed below 0.00001; gnomAD exomes 0.00001.
gnomAD v4.1: 17 of 1,613,694 alleles (0.0011%); highest among the groups gnomAD compares: Non-Finnish European, 0.0013%; no homozygotes.

Submissions (2):

Ambry Genetics
Classification: Uncertain significance for Hereditary cancer-predisposing syndrome. Last evaluated: 2025-02-10. Review status: criteria provided, single submitter. Criteria: Ambry Variant Classification Scheme 2023. Collection method: clinical testing. Allele origin: germline.
Comment: The p.V599M variant (also known as c.1795G>A) is located in coding exon 17 of the POLE gene. The valine at codon 599 is replaced by methionine, an amino acid with highly similar properties. This change occurs in the first base pair of coding exon 17. This amino acid position is conserved. In addition, the in silico prediction for this alteration is inconclusive. Based on the available evidence, the clinical significance of this variant remains unclear.

Labcorp Genetics (formerly Invitae), Labcorp
Classification: Uncertain significance. Last evaluated: 2023-10-25. Review status: criteria provided, single submitter. Criteria: Invitae Variant Classification Sherloc (09022015). Collection method: clinical testing. Allele origin: germline.
Comment: This sequence change replaces valine, which is neutral and non-polar, with methionine, which is neutral and non-polar, at codon 599 of the POLE protein (p.Val599Met). This variant is not present in population databases (gnomAD no frequency). This variant has not been reported in the literature in individuals affected with POLE-related conditions. ClinVar contains an entry for this variant (Variation ID: 473488). An algorithm developed to predict the effect of missense changes on protein structure and function (PolyPhen-2) suggests that this variant¬†is likely to be tolerated. In summary, the available evidence is currently insufficient to determine the role of this variant in disease. Therefore, it has been classified as a Variant of Uncertain Significance.